The following is an entry in ClinVar:

NM_000353.3(TAT):c.283C>T (p.Gln95Ter)

Gene: TAT (tyrosine aminotransferase; minus strand). Cytogenetic location: 16q22.2.
Variant type: single nucleotide variant.
Coding change: c.283C>T on transcript NM_000353.3 (MANE Select); coding-DNA position 283, C replaced by T.
Protein change: p.Gln95Ter; replaces glutamine 95 with a stop codon.
Molecular consequence: nonsense.
Genome position (GRCh38, 1-based): chr16:71,575,979, G>A on the plus strand (C>T on the coding strand, the complement: TAT is on the minus strand). VCF-style: chr16-71575979-G-A. GRCh37 (hg19) VCF-style: chr16-71609882-G-A.
Other names: short protein forms Q95*.
Identifiers: ClinVar variation 1725713 (VCV001725713.2), dbSNP rs2507672211, ClinGen allele CA396653835.

ClinVar aggregate classification (germline): Likely pathogenic (1 of 4 stars; one submission).

Conditions:
Tyrosinemia type II (TYRSN2). Also called: KERATOSIS PALMOPLANTARIS WITH CORNEAL DYSTROPHY; OREGON TYPE TYROSINEMIA; TAT DEFICIENCY; TYROSINE AMINOTRANSFERASE DEFICIENCY; TYROSINE TRANSAMINASE DEFICIENCY. Identifiers: Orphanet 28378, MedGen C0268487, MONDO:0010160, OMIM 276600.

Submission:

Myriad Genetics, Inc.
Classification: Likely pathogenic for Tyrosinemia type II. Last evaluated: 2022-03-31. Review status: criteria provided, single submitter. Criteria: Myriad Women's Health Autosomal Recessive and X-Linked Classification Criteria (2021). Collection method: clinical testing. Allele origin: unknown.
Comment: NM_000353.2(TAT):c.283C>T(Q95*) is expected to be pathogenic in the context of tyrosinemia type II. This variant is predicted to lead to an abnormal or absent protein product due to the creation of a premature termination codon in TAT, a gene where loss-of-function variants are known to be pathogenic. Please note: this variant was assessed in the context of healthy population screening.